The following is an entry in ClinVar:

NM_000439.5(PCSK1):c.2236G>A (p.Val746Met)

Genes: CAST (calpastatin; plus strand), PCSK1 (proprotein convertase subtilisin/kexin type 1; minus strand), LOC101929710 (uncharacterized LOC101929710; plus strand). Cytogenetic location: 5q15.
Variant type: single nucleotide variant.
Coding change: c.2236G>A on transcript NM_000439.5 (MANE Select); coding-DNA position 2236, G replaced by A.
Protein change: p.Val746Met; replaces valine 746 with methionine.
Molecular consequence: missense variant.
Genome position (GRCh38, 1-based): chr5:96,393,027, C>T on the plus strand (G>A on the coding strand, the complement: PCSK1 is on the minus strand). VCF-style: chr5-96393027-C-T. GRCh37 (hg19) VCF-style: chr5-95728731-C-T.
Other names: c.2095G>A, p.Val699Met (NM_001177875.2); c.2236G>A (NM_000439.4); short protein forms V699M, V746M.
Identifiers: ClinVar variation 2082575 (VCV002082575.7), dbSNP rs529135368, ClinGen allele CA3350028.

ClinVar aggregate classification (germline): Uncertain significance. Review status: criteria provided, multiple submitters, no conflicts (2 of 4 stars). 4 submissions from 4 submitters: Uncertain significance (4). Last evaluated 2026-07-28.

Conditions:
Obesity due to prohormone convertase I deficiency. Also called: OBESITY AND ENDOCRINOPATHY DUE TO IMPAIRED PROCESSING OF PROHORMONES. Identifiers: Orphanet 71528, MedGen C1833053, MONDO:0010961, OMIM 600955.
Inborn genetic diseases. Identifiers: MedGen C0950123, MeSH D030342.
PCSK1-related disorder. Also called: PCSK1-related condition.

Allele frequency attached by ClinVar (database versions not stated): ExAC 0.00004; 1000 Genomes Project 30x 0.00031; 1000 Genomes Project 0.00040; gnomAD 0.00009; TOPMed 0.00019.
gnomAD v4.1: 39 of 1,614,148 alleles (0.0024%); highest among the groups gnomAD compares: African/African-American, 0.023%; no homozygotes.

Submissions (4):

PreventionGenetics, part of Exact Sciences
Classification: Uncertain significance for PCSK1-related condition. Last evaluated: 2026-07-28. Review status: criteria provided, single submitter. Criteria: ACMG Guidelines, 2015. Collection method: clinical testing. Allele origin: germline.
Comment: The PCSK1 c.2236G>A variant is predicted to result in the amino acid substitution p.Val746Met. This variant has been observed in cohorts of individuals with obesity, and in vitro functional studies showed this variant did not reduce protein function and could cause increased function (Suppl. Table 1, Roberts et al. 2022. PubMed ID: 35562395; Folon et al. 2023. PubMed ID: 36822744; Supplemental Data Set 3, Shah et al. 2023. PubMed ID: 36864747). This variant is reported in 0.020% of alleles in individuals of African descent in gnomAD. At this time, the clinical significance of this variant is uncertain due to the absence of conclusive functional and genetic evidence.

Ambry Genetics
Classification: Uncertain significance for Inborn genetic diseases. Last evaluated: 2024-06-17. Review status: criteria provided, single submitter. Criteria: Ambry Variant Classification Scheme 2023. Collection method: clinical testing. Allele origin: germline.

Labcorp Genetics (formerly Invitae), Labcorp
Classification: Uncertain significance. Last evaluated: 2022-06-26. Review status: criteria provided, single submitter. Criteria: Invitae Variant Classification Sherloc (09022015). Collection method: clinical testing. Allele origin: germline.
Comment: This variant is present in population databases (rs529135368, gnomAD 0.02%). This sequence change replaces valine, which is neutral and non-polar, with methionine, which is neutral and non-polar, at codon 746 of the PCSK1 protein (p.Val746Met). This variant has not been reported in the literature in individuals affected with PCSK1-related conditions. Algorithms developed to predict the effect of missense changes on protein structure and function output the following: SIFT: "Tolerated"; PolyPhen-2: "Benign"; Align-GVGD: "Class C0". The methionine amino acid residue is found in multiple mammalian species, which suggests that this missense change does not adversely affect protein function. In summary, the available evidence is currently insufficient to determine the role of this variant in disease. Therefore, it has been classified as a Variant of Uncertain Significance.

Department of Pathology and Laboratory Medicine, Sinai Health System
Classification: Uncertain significance for Obesity due to prohormone convertase I deficiency. Last evaluated: 2022-02-01. Review status: criteria provided, single submitter. Criteria: ACMG Guidelines, 2015. Collection method: research. Allele origin: germline.